The following is an entry in ClinVar:

ClinVar aggregate classification (germline): Uncertain significance (1 of 4 stars; one submission).

Conditions:
Inborn genetic diseases. Identifiers: MedGen C0950123, MeSH D030342.

Submission:

Ambry Genetics
Classification: Uncertain significance for Inborn genetic diseases. Last evaluated: 2025-01-30. Review status: criteria provided, single submitter. Criteria: Ambry Variant Classification Scheme 2023. Collection method: clinical testing. Allele origin: germline.
Comment: The p.L816F variant (also known as c.2446C>T), located in coding exon 14 of the RECQL4 gene, results from a C to T substitution at nucleotide position 2446. The leucine at codon 816 is replaced by phenylalanine, an amino acid with highly similar properties. This amino acid position is conserved. Based on the available evidence, the clinical significance of this variant remains unclear.

NM_004260.4(RECQL4):c.2446C>T (p.Leu816Phe)

Gene: RECQL4 (RecQ like helicase 4; minus strand). Cytogenetic location: 8q24.3.
Variant type: single nucleotide variant.
Coding change: c.2446C>T on transcript NM_004260.4 (MANE Select); coding-DNA position 2446, C replaced by T.
Protein change: p.Leu816Phe; replaces leucine 816 with phenylalanine.
Molecular consequence: missense variant. On other transcripts: non-coding transcript variant (3), intron variant (3).
Genome position (GRCh38, 1-based): chr8:144,513,235, G>A on the plus strand (C>T on the coding strand, the complement: RECQL4 is on the minus strand). VCF-style: chr8-144513235-G-A. GRCh37 (hg19) VCF-style: chr8-145738618-G-A.
Other names: c.2446C>T, p.Leu816Phe (NM_001413019.1, NM_001413036.1); c.2350C>T, p.Leu784Phe (NM_001413020.1); c.1375C>T, p.Leu459Phe (NM_001413021.1, NM_001413022.1, NM_001413023.1 and 5 more transcripts); c.2317C>T, p.Leu773Phe (NM_001413025.1); c.1309C>T, p.Leu437Phe (NM_001413027.1, NM_001413030.1, NM_001413032.1 and 1 more transcripts); c.2095C>T, p.Leu699Phe (NM_001413029.1); c.1177C>T, p.Leu393Phe (NM_001413031.1); c.2314C>T, p.Leu772Phe (NM_001413033.1); and 7 more; short protein forms L772F, L784F, L437F, L449F, L459F, L699F, L773F, L816F.
Identifiers: ClinVar variation 3788015 (VCV003788015.1).